The following is an entry in ClinVar:

NM_000245.4(MET):c.2954G>T (p.Ser985Ile)

Gene: MET (MET proto-oncogene, receptor tyrosine kinase; plus strand). Cytogenetic location: 7q31.2.
Variant type: single nucleotide variant.
Coding change: c.2954G>T on transcript NM_000245.4 (MANE Select); coding-DNA position 2954, G replaced by T.
Protein change: p.Ser985Ile; replaces serine 985 with isoleucine.
Molecular consequence: missense variant.
Genome position (GRCh38, 1-based): chr7:116,771,915, G>T. VCF-style: chr7-116771915-G-T. GRCh37 (hg19) VCF-style: chr7-116411969-G-T.
Other names: c.3008G>T, p.Ser1003Ile (NM_001127500.3); c.1664G>T, p.Ser555Ile (NM_001324402.2); short protein forms S1003I, S555I, S985I.
Identifiers: ClinVar variation 4859993 (VCV004859993.1).

ClinVar aggregate classification (germline): Uncertain significance (1 of 4 stars; one submission).

Conditions:
Hereditary cancer-predisposing syndrome. Also called: Neoplastic Syndromes, Hereditary; Tumor predisposition; Hereditary Cancer Syndrome; Hereditary neoplastic syndrome. Identifiers: Orphanet 140162, MedGen C0027672, MeSH D009386, MONDO:0015356.

Submission:

Ambry Genetics
Classification: Uncertain significance for Hereditary cancer-predisposing syndrome. Last evaluated: 2026-05-18. Review status: criteria provided, single submitter. Criteria: Ambry Variant Classification Scheme 2023. Collection method: clinical testing. Allele origin: germline.
Comment: The p.S1003I variant (also known as c.3008G>T), located in coding exon 13 of the MET gene, results from a G to T substitution at nucleotide position 3008. The serine at codon 1003 is replaced by isoleucine, an amino acid with dissimilar properties. This amino acid position is conserved. In addition, the in silico prediction for this alteration is inconclusive. Based on the available evidence, the clinical significance of this variant remains unclear.